The following is an entry in ClinVar:

Conditions:
Breast-ovarian cancer, familial, susceptibility to, 1 (BROVCA1). Also called: BRCA1 Hereditary Breast and Ovarian Cancer; OVARIAN CANCER, SUSCEPTIBILITY TO. Identifiers: Orphanet 145, MedGen C2676676, MONDO:0011450, OMIM 604370. Disease mechanism: loss of function.

Submission:

Brotman Baty Institute, University of Washington
No classification provided (evidence only). Condition: Breast-ovarian cancer, familial 1. Review status: no classification provided. Collection method: in vitro. Allele origin: not applicable. Functional consequence: functionally_normal.
ClinVar note: "not provided" was previously submitted as the classification for the variant. However, the classification appeared to be based only on an observation of functional data so it was converted to no classification on 2025-07-30.

NM_007294.4(BRCA1):c.283C>T (p.Leu95Phe)

Gene: BRCA1 (BRCA1 DNA repair associated; minus strand). Cytogenetic location: 17q21.31.
Variant type: single nucleotide variant.
Coding change: c.283C>T on transcript NM_007294.4 (MANE Select); coding-DNA position 283, C replaced by T.
Protein change: p.Leu95Phe; replaces leucine 95 with phenylalanine.
Molecular consequence: missense variant. On other transcripts: non-coding transcript variant (1).
Genome position (GRCh38, 1-based): chr17:43,104,886, G>A on the plus strand (C>T on the coding strand, the complement: BRCA1 is on the minus strand). VCF-style: chr17-43104886-G-A. GRCh37 (hg19) VCF-style: chr17-41256903-G-A.
Other names: c.283C>T, p.Leu95Phe (NM_001407858.1, NM_001407859.1, NM_001407860.1 and 168 more transcripts); c.205C>T, p.Leu69Phe (NM_001407862.1, NM_001407874.1, NM_001407875.1 and 21 more transcripts); c.73C>T, p.Leu25Phe (NM_001407879.1, NM_001407881.1, NM_001407882.1 and 58 more transcripts); c.142C>T, p.Leu48Phe (NM_001407920.1, NM_001407921.1, NM_001407922.1 and 99 more transcripts); c.-99C>T (NM_001407959.1, NM_001407960.1, NM_001407962.1 and 4 more transcripts); c.151C>T, p.Leu51Phe (NM_001408451.1); short protein forms L48F, L95F, L25F, L51F, L69F.
Identifiers: ClinVar variation 868348 (VCV000868348.3), dbSNP rs2054675297, ClinGen allele CA10601586.